The following is an entry in ClinVar:

ClinVar aggregate classification (germline): Uncertain significance (1 of 4 stars; one submission).

Submission:

GeneDx
Classification: Uncertain significance. Last evaluated: 2024-08-14. Review status: criteria provided, single submitter. Criteria: GeneDx Variant Classification Process June 2021. Collection method: clinical testing. Allele origin: germline. Affected: yes.
Comment: Not observed at significant frequency in large population cohorts (gnomAD); In silico analysis supports a deleterious effect on splicing; Has not been previously published as pathogenic or benign to our knowledge

NM_001009944.3(PKD1):c.11412-6C>A

Genes: PKD1 (polycystin 1, transient receptor potential channel interacting; minus strand), PKD1-AS1 (PKD1 antisense RNA 1; plus strand). Cytogenetic location: 16p13.3.
Variant type: single nucleotide variant.
Coding change: c.11412-6C>A on transcript NM_001009944.3 (MANE Select); 6 bases into the intron before coding-DNA position 11412, C replaced by A.
Molecular consequence: intron variant.
Genome position (GRCh38, 1-based): chr16:2,091,912, G>T on the plus strand (C>A on the coding strand, the complement: PKD1 is on the minus strand). VCF-style: chr16-2091912-G-T. GRCh37 (hg19) VCF-style: chr16-2141913-G-T.
Other names: c.11409-6C>A (NM_000296.4).
Identifiers: ClinVar variation 3731135 (VCV003731135.1).